The following is an entry in ClinVar:

NM_181426.2(CCDC39):c.151C>T (p.Arg51Ter)

Gene: CCDC39 (coiled-coil domain 39 molecular ruler complex subunit; minus strand). Cytogenetic location: 3q26.33.
Variant type: single nucleotide variant.
Coding change: c.151C>T on transcript NM_181426.2 (MANE Select); coding-DNA position 151, C replaced by T.
Protein change: p.Arg51Ter; replaces arginine 51 with a stop codon.
Molecular consequence: nonsense.
Genome position (GRCh38, 1-based): chr3:180,663,926, G>A on the plus strand (C>T on the coding strand, the complement: CCDC39 is on the minus strand). VCF-style: chr3-180663926-G-A. GRCh37 (hg19) VCF-style: chr3-180381714-G-A.
Other names: short protein forms R51*.
Identifiers: ClinVar variation 3720970 (VCV003720970.1).

ClinVar aggregate classification (germline): Pathogenic (1 of 4 stars; one submission).

Conditions:
Primary ciliary dyskinesia. Also called: Ciliary dyskinesia. Identifiers: Orphanet 244, MedGen C0008780, MONDO:0016575, HP:0012265.

gnomAD v4.1: 6 of 1,610,642 alleles (0.00037%); highest among the groups gnomAD compares: Admixed American, 0.0017%; no homozygotes.

Submission:

Labcorp Genetics (formerly Invitae), Labcorp
Classification: Pathogenic for Primary ciliary dyskinesia. Last evaluated: 2024-06-19. Review status: criteria provided, single submitter. Criteria: Invitae Variant Classification Sherloc (09022015). Collection method: clinical testing. Allele origin: germline.
Comment: This sequence change creates a premature translational stop signal (p.Arg51*) in the CCDC39 gene. It is expected to result in an absent or disrupted protein product. Loss-of-function variants in CCDC39 are known to be pathogenic (PMID: 21131972, 23255504). This variant is present in population databases (no rsID available, gnomAD 0.003%). This premature translational stop signal has been observed in individual(s) with primary ciliary dyskinesia (PMID: 23255504). Algorithms developed to predict the effect of sequence changes on RNA splicing suggest that this variant may disrupt the consensus splice site. For these reasons, this variant has been classified as Pathogenic.

Literature cited by the submitters: PubMed 21131972; PubMed 23255504.